The following is an entry in ClinVar:

NM_030665.4(RAI1):c.4375T>A (p.Ser1459Thr)

Gene: RAI1 (retinoic acid induced 1; plus strand). Cytogenetic location: 17p11.2.
Variant type: single nucleotide variant.
Coding change: c.4375T>A on transcript NM_030665.4 (MANE Select); coding-DNA position 4375, T replaced by A.
Protein change: p.Ser1459Thr; replaces serine 1459 with threonine.
Molecular consequence: missense variant.
Genome position (GRCh38, 1-based): chr17:17,797,323, T>A. VCF-style: chr17-17797323-T-A. GRCh37 (hg19) VCF-style: chr17-17700637-T-A.
Other names: short protein forms S1459T.
Identifiers: ClinVar variation 3349816 (VCV003349816.2).
Genomic context (GRCh38, chr17:17,797,323, plus strand): 5'-GGGACTGCCCTGGCGCCTAAGAAGAGGAGCCGGAAAGGCCGGGCAGGGGCCCATGGACTC[T>A]CCAAAGGCCCGCTGGAGAAGCGGCCCTATCTTGGCCCGGCTCTGCTCCTGACTCCCCGAG-3'
Protein context (NP_109590.3, residues 1449-1469): RKGRAGAHGL[Ser1459Thr]KGPLEKRPYL

ClinVar aggregate classification (germline): Uncertain significance. Review status: criteria provided, single submitter (1 of 4 stars). 2 submissions from 2 submitters: Uncertain significance (1). 1 of the submissions does not count toward it. Last evaluated 2025-03-23.

Conditions:
RAI1-related disorder. Also called: RAI1-related condition.

Submissions (2):

Labcorp Genetics (formerly Invitae), Labcorp
Classification: Uncertain significance. Last evaluated: 2025-03-23. Review status: criteria provided, single submitter. Criteria: Invitae Variant Classification Sherloc (09022015). Collection method: clinical testing. Allele origin: germline.
Comment: This sequence change replaces serine, which is neutral and polar, with threonine, which is neutral and polar, at codon 1459 of the RAI1 protein (p.Ser1459Thr). This variant is not present in population databases (gnomAD no frequency). This variant has not been reported in the literature in individuals affected with RAI1-related conditions. ClinVar contains an entry for this variant (Variation ID: 3349816). Invitae Evidence Modeling of protein sequence and biophysical properties (such as structural, functional, and spatial information, amino acid conservation, physicochemical variation, residue mobility, and thermodynamic stability) indicates that this missense variant is not expected to disrupt RAI1 protein function with a negative predictive value of 80%. In summary, the available evidence is currently insufficient to determine the role of this variant in disease. Therefore, it has been classified as a Variant of Uncertain Significance.

PreventionGenetics, part of Exact Sciences
Classification: Uncertain significance for RAI1-related condition. Last evaluated: 2023-11-01. Review status: no assertion criteria provided. Collection method: clinical testing. Allele origin: germline. Not counted in ClinVar's aggregate classification.
Comment: The RAI1 c.4375T>A variant is predicted to result in the amino acid substitution p.Ser1459Thr. To our knowledge, this variant has not been reported in the literature or in a large population database, indicating this variant is rare. At this time, the clinical significance of this variant is uncertain due to the absence of conclusive functional and genetic evidence.